The following is an entry in ClinVar:

ClinVar aggregate classification (germline): Uncertain significance (1 of 4 stars; one submission).

Conditions:
Cardiomyopathy (CMYO). Also called: Cardiomyopathies. Identifiers: Orphanet 167848, MedGen C0878544, MONDO:0004994, HP:0001638. Inheritance: Various modes of inheritance.

Submission:

Color Diagnostics, LLC DBA Color Health
Classification: Uncertain significance for Cardiomyopathy. Last evaluated: 2024-06-30. Review status: criteria provided, single submitter. Criteria: ACMG Guidelines, 2015. Collection method: clinical testing. Allele origin: germline.
Comment: This missense variant replaces glycine with cysteine at codon 264 of the RYR2 protein. Computational prediction suggests that this variant may have deleterious impact on protein structure and function (internally defined REVEL score threshold >= 0.7, PMID: 27666373). To our knowledge, functional studies have not been reported for this variant. This variant has not been reported in individuals affected with RYR2-related disorders in the literature. This variant has not been identified in the general population by the Genome Aggregation Database (gnomAD). The available evidence is insufficient to determine the role of this variant in disease conclusively. Therefore, this variant is classified as a Variant of Uncertain Significance.

NM_001035.3(RYR2):c.790G>T (p.Gly264Cys)

Gene: RYR2 (ryanodine receptor 2; plus strand). Cytogenetic location: 1q43.
Variant type: single nucleotide variant.
Coding change: c.790G>T on transcript NM_001035.3 (MANE Select); coding-DNA position 790, G replaced by T.
Protein change: p.Gly264Cys; replaces glycine 264 with cysteine.
Molecular consequence: missense variant.
Genome position (GRCh38, 1-based): chr1:237,417,065, G>T. VCF-style: chr1-237417065-G-T. GRCh37 (hg19) VCF-style: chr1-237580365-G-T.
Other names: short protein forms G264C.
Identifiers: ClinVar variation 3893977 (VCV003893977.1).
Genomic context (GRCh38, chr1:237,417,065, plus strand): 5'-CATGTTTAACTCACATTTGGGCTTTTGTTTGTTTGTTGAAACAGAACTGTTCATTATGAA[G>T]GTGGCGCTGTGTCTGTTCATGCACGTTCCCTTTGGAGACTAGAGACGCTAAGAGTTGCGT-3'
Protein context (NP_001026.2, residues 254-274): EEQRRTVHYE[Gly264Cys]GAVSVHARSL